The following is an entry in ClinVar:

ClinVar aggregate classification (germline): Uncertain significance (1 of 4 stars; one submission).

Allele frequency attached by ClinVar (database versions not stated): gnomAD exomes below 0.00001; gnomAD 0.00003; TOPMed 0.00005.
gnomAD v4.1: 9 of 1,547,558 alleles (0.00058%); highest among the groups gnomAD compares: Admixed American, 0.0076%; no homozygotes.

Submission:

Labcorp Genetics (formerly Invitae), Labcorp
Classification: Uncertain significance. Last evaluated: 2022-10-05. Review status: criteria provided, single submitter. Criteria: Invitae Variant Classification Sherloc (09022015). Collection method: clinical testing. Allele origin: germline.
Comment: In summary, the available evidence is currently insufficient to determine the role of this variant in disease. Therefore, it has been classified as a Variant of Uncertain Significance. Variants that disrupt the consensus splice site are a relatively common cause of aberrant splicing (PMID: 17576681, 9536098). Algorithms developed to predict the effect of sequence changes on RNA splicing suggest that this variant is not likely to affect RNA splicing. This variant has not been reported in the literature in individuals affected with LPIN1-related conditions. This variant is present in population databases (no rsID available, gnomAD 0.06%). This sequence change falls in intron 9 of the LPIN1 gene. It does not directly change the encoded amino acid sequence of the LPIN1 protein. It affects a nucleotide within the consensus splice site.

Literature cited by the submitters: PubMed 17576681; PubMed 9536098.

NM_001349206.2(LPIN1):c.1549+6G>A

Gene: LPIN1 (lipin 1; plus strand). Cytogenetic location: 2p25.1.
Variant type: single nucleotide variant.
Coding change: c.1549+6G>A on transcript NM_001349206.2 (MANE Select); 6 bases into the intron after coding-DNA position 1549, G replaced by A.
Molecular consequence: intron variant.
Genome position (GRCh38, 1-based): chr2:11,785,082, G>A. VCF-style: chr2-11785082-G-A. GRCh37 (hg19) VCF-style: chr2-11925208-G-A.
Other names: c.1696+6G>A (NM_001261428.3); c.1588+6G>A (NM_001349208.2); c.1639+6G>A (NM_001349207.2); c.1459+6G>A (NM_001261427.3); c.1549+6G>A (NM_001349204.2, NM_001349205.2); c.1546+6G>A (NM_001349202.2, NM_001349203.2); c.1441+6G>A (NM_001349200.2, NM_001349199.2, NM_001349201.2 and 1 more transcripts).
Identifiers: ClinVar variation 2072321 (VCV002072321.3), dbSNP rs1482993075, ClinGen allele CA531314678.
Genomic context (GRCh38, chr2:11,785,082, plus strand): 5'-TCCATCGCCATCTCCCTCTGCGGGGGCCTCAGCGACCACCGGGAGATCACGAAAGGTACC[G>A]CGGGCCTCGCGCGGGCGCCCTCTGGTGGCCGCCGGTCAGAAGGCGCAGAGGCTTAGGCTT-3'